The following is an entry in ClinVar:

NM_139343.3(BIN1):c.193C>A (p.Leu65Ile)

Gene: BIN1 (bridging integrator 1; minus strand). Cytogenetic location: 2q14.3.
Variant type: single nucleotide variant.
Coding change: c.193C>A on transcript NM_139343.3 (MANE Select); coding-DNA position 193, C replaced by A.
Protein change: p.Leu65Ile; replaces leucine 65 with isoleucine.
Molecular consequence: missense variant.
Genome position (GRCh38, 1-based): chr2:127,070,789, G>T on the plus strand (C>A on the coding strand, the complement: BIN1 is on the minus strand). VCF-style: chr2-127070789-G-T. GRCh37 (hg19) VCF-style: chr2-127828365-G-T.
Other names: c.193C>A, p.Leu65Ile (NM_001320632.2, NM_001320633.2, NM_001320640.2 and 10 more transcripts); c.121C>A, p.Leu41Ile (NM_001320634.1); c.112C>A, p.Leu38Ile (NM_001320642.1); short protein forms L65I, L38I, L41I.
Identifiers: ClinVar variation 1385980 (VCV001385980.8), dbSNP rs2105078067, ClinGen allele CA348369793.

ClinVar aggregate classification (germline): Uncertain significance (1 of 4 stars; one submission).

Conditions:
Myopathy, centronuclear, 2 (CNM2). Also called: MYOTUBULAR MYOPATHY, AUTOSOMAL RECESSIVE. Identifiers: Orphanet 169186, MedGen CN031787, MONDO:0009709, OMIM 255200.

gnomAD v4.1: 1 of 1,613,138 alleles (0.000062%); highest among the groups gnomAD compares: East Asian, 0.0022%; no homozygotes.

Submission:

Labcorp Genetics (formerly Invitae), Labcorp
Classification: Uncertain significance for Myopathy, centronuclear, 2. Last evaluated: 2021-04-08. Review status: criteria provided, single submitter. Criteria: Invitae Variant Classification Sherloc (09022015). Collection method: clinical testing. Allele origin: germline.
Comment: This sequence change replaces leucine with isoleucine at codon 65 of the BIN1 protein (p.Leu65Ile). The leucine residue is moderately conserved and there is a small physicochemical difference between leucine and isoleucine. This variant is not present in population databases (ExAC no frequency). This variant has not been reported in the literature in individuals with BIN1-related conditions. Algorithms developed to predict the effect of missense changes on protein structure and function are either unavailable or do not agree on the potential impact of this missense change (SIFT: "Tolerated"; PolyPhen-2: "Possibly Damaging"; Align-GVGD: "Class C0"). In summary, the available evidence is currently insufficient to determine the role of this variant in disease. Therefore, it has been classified as a Variant of Uncertain Significance.